The following is an entry in ClinVar:

ClinVar aggregate classification (germline): Likely benign (0 of 4 stars; one submission).

Conditions:
ROCK2-related disorder. Also called: ROCK2-related condition.

gnomAD v4.1: 527 of 1,613,762 alleles (0.033%); highest among the groups gnomAD compares: Non-Finnish European, 0.041%; no homozygotes.

Submission:

PreventionGenetics, part of Exact Sciences
Classification: Likely benign for ROCK2-related condition. Last evaluated: 2024-07-12. Review status: no assertion criteria provided. Collection method: clinical testing. Allele origin: germline.
Comment: This variant is classified as likely benign based on ACMG/AMP sequence variant interpretation guidelines (Richards et al. 2015 PMID: 25741868, with internal and published modifications).

NM_004850.5(ROCK2):c.1869T>G (p.Leu623=)

Gene: ROCK2 (Rho associated coiled-coil containing protein kinase 2; minus strand). Cytogenetic location: 2p25.1.
Variant type: single nucleotide variant.
Coding change: c.1869T>G on transcript NM_004850.5 (MANE Select); coding-DNA position 1869, T replaced by G.
Protein change: p.Leu623=; no amino-acid change (leucine 623 retained).
Molecular consequence: synonymous variant.
Genome position (GRCh38, 1-based): chr2:11,214,907, A>C on the plus strand (T>G on the coding strand, the complement: ROCK2 is on the minus strand). VCF-style: chr2-11214907-A-C. GRCh37 (hg19) VCF-style: chr2-11355033-A-C.
Other names: c.1611T>G, p.Leu537= (NM_001321643.2).
Identifiers: ClinVar variation 3357033 (VCV003357033.1).